The following is an entry in ClinVar:

NM_152618.3(BBS12):c.378G>T (p.Glu126Asp)

Gene: BBS12 (Bardet-Biedl syndrome 12; plus strand). Cytogenetic location: 4q27.
Variant type: single nucleotide variant.
Coding change: c.378G>T on transcript NM_152618.3 (MANE Select); coding-DNA position 378, G replaced by T.
Protein change: p.Glu126Asp; replaces glutamic acid 126 with aspartic acid.
Molecular consequence: missense variant.
Genome position (GRCh38, 1-based): chr4:122,742,270, G>T. VCF-style: chr4-122742270-G-T. GRCh37 (hg19) VCF-style: chr4-123663425-G-T.
Other names: c.378G>T, p.Glu126Asp (NM_001178007.2); short protein forms E126D.
Identifiers: ClinVar variation 262674 (VCV000262674.25), dbSNP rs309369, ClinGen allele CA3069274.

ClinVar aggregate classification (germline): Benign/Likely benign. Review status: criteria provided, multiple submitters, no conflicts (2 of 4 stars). 10 submissions from 10 submitters: Benign (5); Likely benign (4). 1 of the submissions does not count toward it. Last evaluated 2026-02-01.

Conditions:
Bardet-Biedl syndrome 12 (BBS12). Identifiers: Orphanet 110, MedGen C1859570, MONDO:0014440, OMIM 615989.
Bardet-Biedl syndrome (BBS). Identifiers: Orphanet 110, MedGen C0752166, MONDO:0015229.

Allele frequency attached by ClinVar (database versions not stated): gnomAD exomes 0.00430; ExAC 0.00527; 1000 Genomes Project 0.01418; 1000 Genomes Project 30x 0.01546; gnomAD 0.01774 and 0.01932; TOPMed 0.02017; ESP Exome Variant Server 0.02099.
gnomAD v4.1: 5,204 of 1,613,782 alleles (0.32%); highest among the groups gnomAD compares: African/African-American, 6.2%; 151 homozygotes.

Submissions (10):

Labcorp Genetics (formerly Invitae), Labcorp
Classification: Benign for Bardet-Biedl syndrome. Last evaluated: 2026-02-01. Review status: criteria provided, single submitter. Criteria: Invitae Variant Classification Sherloc (09022015). Collection method: clinical testing. Allele origin: germline.

Mayo Clinic Laboratories, Mayo Clinic
Classification: Benign. Last evaluated: 2024-12-13. Review status: criteria provided, single submitter. Criteria: ACMG Guidelines, 2015. Collection method: clinical testing. Allele origin: germline. Observed: 1 variant allele.
Comment: BA1, BS2, BP4

Blueprint Genetics
Classification: Likely benign. Last evaluated: 2024-11-25. Review status: criteria provided, single submitter. Criteria: ACMG Guidelines, 2015. Collection method: clinical testing. Allele origin: germline.

Women's Health and Genetics/Laboratory Corporation of America, LabCorp
Classification: Likely benign. Last evaluated: 2021-12-10. Review status: criteria provided, single submitter. Criteria: LabCorp Variant Classification Summary - May 2015. Collection method: clinical testing. Allele origin: germline.

GeneDx
Classification: Benign. Last evaluated: 2021-05-04. Review status: criteria provided, single submitter. Criteria: GeneDx Variant Classification Process June 2021. Collection method: clinical testing. Allele origin: germline. Affected: yes.
Comment: This variant is associated with the following publications: (PMID: 20498079)

Illumina Laboratory Services, Illumina
Classification: Benign for Bardet-Biedl syndrome 12. Last evaluated: 2018-01-13. Review status: criteria provided, single submitter. Criteria: ICSL Variant Classification Criteria 13 December 2019. Collection method: clinical testing. Allele origin: germline.
Comment: This variant was observed in the ICSL laboratory as part of a predisposition screen in an ostensibly healthy population. It had not been previously curated by ICSL or reported in the Human Gene Mutation Database (HGMD: prior to June 1st, 2018), and was therefore a candidate for classification through an automated scoring system. Utilizing variant allele frequency, disease prevalence and penetrance estimates, and inheritance mode, an automated score was calculated to assess if this variant is too frequent to cause the disease. Based on the score and internal cut-off values, a variant classified as benign is not then subjected to further curation. The score for this variant resulted in a classification of benign for this disease.

Eurofins Ntd Llc (ga)
Classification: Likely benign. Last evaluated: 2016-06-13. Review status: criteria provided, single submitter. Criteria: EGL Classification Definitions 2015. Collection method: clinical testing. Allele origin: germline. Observed: 1 variant allele, 1 heterozygote.

Breakthrough Genomics
Classification: Likely benign. Review status: criteria provided, single submitter. Criteria: ACMG Guidelines, 2015. Collection method: not provided. Allele origin: germline. Inheritance: Autosomal recessive inheritance. Affected: yes.

PreventionGenetics, part of Exact Sciences
Classification: Benign. Review status: criteria provided, single submitter. Criteria: ACMG Guidelines, 2015. Collection method: clinical testing. Allele origin: germline.

Natera, Inc.
Classification: Benign for Bardet-Biedl syndrome type 12. Last evaluated: 2020-09-16. Review status: no assertion criteria provided. Collection method: clinical testing. Allele origin: germline. Not counted in ClinVar's aggregate classification.

Literature cited by the submitters: PubMed 20498079 (cited by Mayo Clinic Laboratories, Mayo Clinic).